The following is an entry in ClinVar:

NM_006415.4(SPTLC1):c.1079C>T (p.Pro360Leu)

Gene: SPTLC1 (serine palmitoyltransferase long chain base subunit 1; minus strand). Cytogenetic location: 9q22.31.
Variant type: single nucleotide variant.
Coding change: c.1079C>T on transcript NM_006415.4 (MANE Select); coding-DNA position 1079, C replaced by T.
Protein change: p.Pro360Leu; replaces proline 360 with leucine.
Molecular consequence: missense variant.
Genome position (GRCh38, 1-based): chr9:92,047,174, G>A on the plus strand (C>T on the coding strand, the complement: SPTLC1 is on the minus strand). VCF-style: chr9-92047174-G-A. GRCh37 (hg19) VCF-style: chr9-94809456-G-A.
Other names: c.1079C>T, p.Pro360Leu (NM_001281303.2); c.713C>T, p.Pro238Leu (NM_001368272.1); c.614C>T, p.Pro205Leu (NM_001368273.1); short protein forms P205L, P238L, P360L.
Identifiers: ClinVar variation 2899153 (VCV002899153.3), dbSNP rs1587914537, ClinGen allele CA373792337.

ClinVar aggregate classification (germline): Uncertain significance (1 of 4 stars; one submission).

Conditions:
Hereditary sensory and autonomic neuropathy type 1 (HSAN1). Also called: HSAN 1; HSN Type I; Hereditary Sensory Neuropathy Type I. Identifiers: Orphanet 36386, MedGen C0020071, MONDO:0018213.

Allele frequency attached by ClinVar (database versions not stated): gnomAD exomes 0.00001.

Submission:

Labcorp Genetics (formerly Invitae), Labcorp
Classification: Uncertain significance for Hereditary sensory and autonomic neuropathy type 1. Last evaluated: 2023-01-08. Review status: criteria provided, single submitter. Criteria: Invitae Variant Classification Sherloc (09022015). Collection method: clinical testing. Allele origin: germline.
Comment: In summary, the available evidence is currently insufficient to determine the role of this variant in disease. Therefore, it has been classified as a Variant of Uncertain Significance. Algorithms developed to predict the effect of sequence changes on RNA splicing suggest that this variant may disrupt the consensus splice site. Algorithms developed to predict the effect of missense changes on protein structure and function are either unavailable or do not agree on the potential impact of this missense change (SIFT: "Deleterious"; PolyPhen-2: "Probably Damaging"; Align-GVGD: "Class C15"). This variant has not been reported in the literature in individuals affected with SPTLC1-related conditions. This variant is not present in population databases (gnomAD no frequency). This sequence change replaces proline, which is neutral and non-polar, with leucine, which is neutral and non-polar, at codon 360 of the SPTLC1 protein (p.Pro360Leu).